The following is an entry in ClinVar:

NM_000038.6(APC):c.259del (p.Leu87fs)

Gene: APC (APC regulator of Wnt signaling pathway; plus strand). Cytogenetic location: 5q22.2.
Variant type: Deletion.
Coding change: c.259del on transcript NM_000038.6 (MANE Select); coding-DNA position 259, one base deleted (C; older notation c.259delC).
Protein change: p.Leu87fs; shifts the reading frame from leucine 87.
Molecular consequence: frameshift variant. On other transcripts: 5 prime UTR variant (4), non-coding transcript variant (2).
Genome position (GRCh38, 1-based): chr5:112,767,227, C deleted. VCF-style (leftmost placement, unchanged base first): chr5-112767226-AC-A. GRCh37 (hg19) VCF-style: chr5-112102923-AC-A.
Other names: c.259del, p.Leu87fs (NM_001127510.3, NM_001354895.2, NM_001354896.2 and 16 more transcripts); c.289del, p.Leu97fs (NM_001127511.3, NM_001354897.2, NM_001354902.2 and 1 more transcripts); c.184del, p.Leu62fs (NM_001354898.2, NM_001354904.2, NM_001407451.1); c.82del, p.Leu28fs (NM_001354900.2, NM_001354901.2, NM_001354905.2 and 1 more transcripts); c.-777del (NM_001354906.2, NM_001407470.1, NM_001407471.1 and 1 more transcripts); short protein forms L28fs, L62fs, L97fs, L87fs.
Identifiers: ClinVar variation 3644800 (VCV003644800.2).
Genomic context (GRCh38, chr5:112,767,226, plus strand): 5'-AAACTTGTTTCTATTTTATTTAGAGCTTAACTTAGATAGCAGTAATTTCCCTGGAGTAAA[AC>A]TGCGGTCAAAAATGTCCCTCCGTTCTTATGGAAGCCGGGAAGGATCTGTATCAAGCCGTT-3'

ClinVar aggregate classification (germline): Pathogenic (1 of 4 stars; one submission).

Conditions:
Familial adenomatous polyposis 1 (FAP1). Also called: FAMILIAL ADENOMATOUS POLYPOSIS 1, ATTENUATED; POLYPOSIS, ADENOMATOUS INTESTINAL. Identifiers: MedGen C2713442, MONDO:0021056, OMIM 175100. Disease mechanism: loss of function.

Submission:

Labcorp Genetics (formerly Invitae), Labcorp
Classification: Pathogenic for Familial adenomatous polyposis 1. Last evaluated: 2024-03-16. Review status: criteria provided, single submitter. Criteria: Invitae Variant Classification Sherloc (09022015). Collection method: clinical testing. Allele origin: germline.
Comment: This sequence change creates a premature translational stop signal (p.Leu87Cysfs*38) in the APC gene. It is expected to result in an absent or disrupted protein product. Loss-of-function variants in APC are known to be pathogenic (PMID: 17963004, 20685668). This variant is not present in population databases (gnomAD no frequency). This variant has not been reported in the literature in individuals affected with APC-related conditions. For these reasons, this variant has been classified as Pathogenic.

Literature cited by the submitters: PubMed 17963004; PubMed 20685668.